The following is an entry in ClinVar:

NM_130797.4(DPP6):c.2451+9C>T

Gene: DPP6 (dipeptidyl peptidase like 6; plus strand). Cytogenetic location: 7q36.2.
Variant type: single nucleotide variant.
Coding change: c.2451+9C>T on transcript NM_130797.4 (MANE Select); 9 bases into the intron after coding-DNA position 2451, C replaced by T.
Molecular consequence: intron variant.
Genome position (GRCh38, 1-based): chr7:154,889,539, C>T. VCF-style: chr7-154889539-C-T. GRCh37 (hg19) VCF-style: chr7-154681249-C-T.
Other names: c.2268+9C>T (NM_001364500.2, NM_001364499.2, NM_001364497.2 and 1 more transcripts); c.2259+9C>T (NM_001039350.3); c.2265+9C>T (NM_001936.5); c.2130+9C>T (NM_001290252.2).
Identifiers: ClinVar variation 3058412 (VCV003058412.2), dbSNP rs373530414, ClinGen allele CA4583961.

ClinVar aggregate classification (germline): Likely benign (0 of 4 stars; one submission).

Conditions:
DPP6-related disorder. Also called: DPP6-related condition.

Allele frequency attached by ClinVar (database versions not stated): ESP Exome Variant Server 0.00008.
gnomAD v4.1: 69 of 1,600,918 alleles (0.0043%); highest among the groups gnomAD compares: Admixed American, 0.015%; 1 homozygote.

Submission:

PreventionGenetics, part of Exact Sciences
Classification: Likely benign for DPP6-related condition. Last evaluated: 2019-02-22. Review status: no assertion criteria provided. Collection method: clinical testing. Allele origin: germline.
Comment: This variant is classified as likely benign based on ACMG/AMP sequence variant interpretation guidelines (Richards et al. 2015 PMID: 25741868, with internal and published modifications).